The following is an entry in ClinVar:

ClinVar aggregate classification (germline): Conflicting classifications of pathogenicity. Review status: criteria provided, conflicting classifications (1 of 4 stars). 4 submissions from 4 submitters: Uncertain significance (1); Likely benign (3). Last evaluated 2025-12-17.

Conditions:
Hereditary cancer-predisposing syndrome. Also called: Neoplastic Syndromes, Hereditary; Hereditary neoplastic syndrome; Tumor predisposition; Hereditary Cancer Syndrome. Identifiers: Orphanet 140162, MedGen C0027672, MeSH D009386, MONDO:0015356.
Tuberous sclerosis 2 (TSC2). Identifiers: Orphanet 805, MedGen C1860707, MONDO:0013199, OMIM 613254.

Allele frequency attached by ClinVar (database versions not stated): TOPMed 0.00002; 1000 Genomes Project 30x 0.00016; 1000 Genomes Project 0.00020.
gnomAD v4.1: 29 of 1,609,042 alleles (0.0018%); highest among the groups gnomAD compares: East Asian, 0.036%; 1 homozygote.

Submissions (4):

Labcorp Genetics (formerly Invitae), Labcorp
Classification: Likely benign for Tuberous sclerosis 2. Last evaluated: 2025-12-17. Review status: criteria provided, single submitter. Criteria: Invitae Variant Classification Sherloc (09022015). Collection method: clinical testing. Allele origin: germline.

Women's Health and Genetics/Laboratory Corporation of America, LabCorp
Classification: Likely benign. Last evaluated: 2024-06-06. Review status: criteria provided, single submitter. Criteria: LabCorp Variant Classification Summary - May 2015. Collection method: clinical testing. Allele origin: germline.

GeneDx
Classification: Likely benign. Last evaluated: 2016-03-30. Review status: criteria provided, single submitter. Criteria: GeneDx Variant Classification (06012015). Collection method: clinical testing. Allele origin: germline. Affected: yes.
Comment: This variant is considered likely benign or benign based on one or more of the following criteria: it is a conservative change, it occurs at a poorly conserved position in the protein, it is predicted to be benign by multiple in silico algorithms, and/or has population frequency not consistent with disease.

Ambry Genetics
Classification: Uncertain significance for Hereditary cancer-predisposing syndrome. Last evaluated: 2014-12-22. Review status: criteria provided, single submitter. Criteria: Ambry Variant Classification Scheme 2023. Collection method: clinical testing. Allele origin: germline.
Comment: The c.4849+20C>T intronic alteration consists of a C to T substitution 0 nucleotides after coding exon 36 in the TSC2 gene. Based on insufficient or conflicting evidence, the clinical significance of this alteration remains unclear.

NM_000548.5(TSC2):c.4849+20C>T

Gene: TSC2 (TSC complex subunit 2; plus strand). Cytogenetic location: 16p13.3.
Variant type: single nucleotide variant.
Coding change: c.4849+20C>T on transcript NM_000548.5 (MANE Select); 20 bases into the intron after coding-DNA position 4849, C replaced by T.
Molecular consequence: intron variant.
Genome position (GRCh38, 1-based): chr16:2,086,399, C>T. VCF-style: chr16-2086399-C-T. GRCh37 (hg19) VCF-style: chr16-2136400-C-T.
Other names: c.4780+20C>T (NM_001114382.3); c.4720+20C>T (NM_021055.3, NM_001370405.1); c.4651+20C>T (NM_001363528.2); c.4717+20C>T (NM_001370404.1); c.4648+20C>T (NM_001077183.3); c.4540+20C>T (NM_001318827.2); c.4117+20C>T (NM_001318831.2); c.4504+20C>T (NM_001318829.2); and 1 more.
Identifiers: ClinVar variation 384944 (VCV000384944.11), dbSNP rs140884776, ClinGen allele CA052763.